The following is an entry in ClinVar:

NM_153026.3(PRICKLE1):c.433G>A (p.Ala145Thr)

Gene: PRICKLE1 (prickle planar cell polarity protein 1; minus strand). Cytogenetic location: 12q12.
Variant type: single nucleotide variant.
Coding change: c.433G>A on transcript NM_153026.3 (MANE Select); coding-DNA position 433, G replaced by A.
Protein change: p.Ala145Thr; replaces alanine 145 with threonine.
Molecular consequence: missense variant.
Genome position (GRCh38, 1-based): chr12:42,468,781, C>T on the plus strand (G>A on the coding strand, the complement: PRICKLE1 is on the minus strand). VCF-style: chr12-42468781-C-T. GRCh37 (hg19) VCF-style: chr12-42862583-C-T.
Other names: c.433G>A, p.Ala145Thr (NM_001144881.2, NM_001144882.2, NM_001144883.2); short protein forms A145T.
Identifiers: ClinVar variation 856626 (VCV000856626.10), dbSNP rs1938203596, ClinGen allele CA384443994.

ClinVar aggregate classification (germline): Uncertain significance (1 of 4 stars; one submission).

Conditions:
Epilepsy, progressive myoclonic, 1B. Also called: PME. Identifiers: Orphanet 308, MedGen C2676254, MONDO:0012904, OMIM 612437.

Submission:

Labcorp Genetics (formerly Invitae), Labcorp
Classification: Uncertain significance for Epilepsy, progressive myoclonic, 1B. Last evaluated: 2024-10-25. Review status: criteria provided, single submitter. Criteria: Invitae Variant Classification Sherloc (09022015). Collection method: clinical testing. Allele origin: germline.
Comment: This sequence change replaces alanine, which is neutral and non-polar, with threonine, which is neutral and polar, at codon 145 of the PRICKLE1 protein (p.Ala145Thr). This variant is not present in population databases (gnomAD no frequency). This variant has not been reported in the literature in individuals affected with PRICKLE1-related conditions. ClinVar contains an entry for this variant (Variation ID: 856626). Invitae Evidence Modeling of protein sequence and biophysical properties (such as structural, functional, and spatial information, amino acid conservation, physicochemical variation, residue mobility, and thermodynamic stability) indicates that this missense variant is expected to disrupt PRICKLE1 protein function with a positive predictive value of 80%. In summary, the available evidence is currently insufficient to determine the role of this variant in disease. Therefore, it has been classified as a Variant of Uncertain Significance.